The following is an entry in ClinVar:

NM_004944.4(DNASE1L3):c.254A>G (p.Tyr85Cys)

Gene: DNASE1L3 (deoxyribonuclease 1L3; minus strand). Cytogenetic location: 3p14.3.
Variant type: single nucleotide variant.
Coding change: c.254A>G on transcript NM_004944.4 (MANE Select); coding-DNA position 254, A replaced by G.
Protein change: p.Tyr85Cys; replaces tyrosine 85 with cysteine.
Molecular consequence: missense variant. On other transcripts: intron variant (1).
Genome position (GRCh38, 1-based): chr3:58,205,537, T>C on the plus strand (A>G on the coding strand, the complement: DNASE1L3 is on the minus strand). VCF-style: chr3-58205537-T-C. GRCh37 (hg19) VCF-style: chr3-58191264-T-C.
Other names: c.231-656A>G (NM_001256560.2); short protein forms Y85C.
Identifiers: ClinVar variation 4697898 (VCV004697898.1).
Genomic context (GRCh38, chr3:58,205,537, plus strand): 5'-AGAAAGGCATATTGTTCTTTATATGTGTTTCTTCCAAGCCGAGAGCTAATCACATAGTTG[T>C]ACGTTATGCCTCTCCTTGAATTTCTAGAAAACAAAGATTTAACACTGCATCTTGAAGAGT-3'
Protein context (NP_004935.1, residues 75-95): LNRNSRRGIT[Tyr85Cys]NYVISSRLGR

ClinVar aggregate classification (germline): Uncertain significance (1 of 4 stars; one submission).

Submission:

Labcorp Genetics (formerly Invitae), Labcorp
Classification: Uncertain significance. Last evaluated: 2025-02-20. Review status: criteria provided, single submitter. Criteria: Invitae Variant Classification Sherloc (09022015). Collection method: clinical testing. Allele origin: germline.
Comment: This sequence change replaces tyrosine, which is neutral and polar, with cysteine, which is neutral and slightly polar, at codon 85 of the DNASE1L3 protein (p.Tyr85Cys). This variant is present in population databases (no rsID available, gnomAD 0.01%). This variant has not been reported in the literature in individuals affected with DNASE1L3-related conditions. An algorithm developed to predict the effect of missense changes on protein structure and function (PolyPhen-2) suggests that this variant is likely to be disruptive. In summary, the available evidence is currently insufficient to determine the role of this variant in disease. Therefore, it has been classified as a Variant of Uncertain Significance.